The following is an entry in ClinVar:

ClinVar aggregate classification (germline): Uncertain significance. Review status: criteria provided, multiple submitters, no conflicts (2 of 4 stars). 2 submissions from 2 submitters: Uncertain significance (2). Last evaluated 2025-10-21.

gnomAD v4.1: 403 of 1,550,568 alleles (0.026%); highest among the groups gnomAD compares: Non-Finnish European, 0.032%; no homozygotes.

Submissions (2):

Ambry Genetics
Classification: Uncertain significance. Last evaluated: 2025-10-21. Review status: criteria provided, single submitter. Criteria: Ambry Variant Classification Scheme 2023. Collection method: clinical testing. Allele origin: germline.

Labcorp Genetics (formerly Invitae), Labcorp
Classification: Uncertain significance. Last evaluated: 2025-10-14. Review status: criteria provided, single submitter. Criteria: Invitae Variant Classification Sherloc (09022015). Collection method: clinical testing. Allele origin: germline.
Comment: This sequence change replaces glutamic acid, which is acidic and polar, with lysine, which is basic and polar, at codon 444 of the CCDC141 protein (p.Glu444Lys). This variant is present in population databases (rs564239640, gnomAD 0.03%). This variant has not been reported in the literature in individuals affected with CCDC141-related conditions. ClinVar contains an entry for this variant (Variation ID: 2590289). An algorithm developed to predict the effect of missense changes on protein structure and function outputs the following: PolyPhen-2: "Benign". The lysine amino acid residue is found in multiple mammalian species, which suggests that this missense change does not adversely affect protein function. In summary, the available evidence is currently insufficient to determine the role of this variant in disease. Therefore, it has been classified as a Variant of Uncertain Significance.

NM_173648.4(CCDC141):c.1330G>A (p.Glu444Lys)

Gene: CCDC141 (coiled-coil domain containing 141; minus strand). Cytogenetic location: 2q31.2.
Variant type: single nucleotide variant.
Coding change: c.1330G>A on transcript NM_173648.4 (MANE Select); coding-DNA position 1330, G replaced by A.
Protein change: p.Glu444Lys; replaces glutamic acid 444 with lysine.
Molecular consequence: missense variant.
Genome position (GRCh38, 1-based): chr2:178,888,604, C>T on the plus strand (G>A on the coding strand, the complement: CCDC141 is on the minus strand). VCF-style: chr2-178888604-C-T. GRCh37 (hg19) VCF-style: chr2-179753331-C-T.
Other names: c.1330G>A, p.Glu444Lys (NM_001316745.2); short protein forms E444K.
Identifiers: ClinVar variation 2590289 (VCV002590289.5), dbSNP rs564239640, ClinGen allele CA2007260.